The following is an entry in ClinVar:

ClinVar aggregate classification (germline): Uncertain significance. Review status: criteria provided, multiple submitters, no conflicts (2 of 4 stars). 2 submissions from 2 submitters: Uncertain significance (2). Last evaluated 2025-06-23.

Conditions:
Marfan syndrome (MFS). Also called: Marfan syndrome type 1; Marfan's syndrome; FBN1-Related Marfan Syndrome; MARFAN SYNDROME, TYPE I; Marfan syndrome, classic. Identifiers: Orphanet 284963, Orphanet 558, MedGen C0024796, MONDO:0007947, OMIM 154700.
Familial thoracic aortic aneurysm and aortic dissection (TAAD). Also called: Thoracic aortic aneurysms and dissections. Identifiers: Orphanet 91387, MedGen C4707243, MONDO:0019625.

Submissions (2):

Color Diagnostics, LLC DBA Color Health
Classification: Uncertain significance for Familial thoracic aortic aneurysm and aortic dissection. Last evaluated: 2025-06-23. Review status: criteria provided, single submitter. Criteria: ACMG Guidelines, 2015. Collection method: clinical testing. Allele origin: germline.
Comment: This missense variant replaces isoleucine with valine at codon 1825 of the FBN1 protein. Computational prediction suggests that this variant may not impact protein structure and function. To our knowledge, functional studies have not been reported for this variant. This variant has not been reported in individuals affected with FBN1-related disorders in the literature. This variant has not been identified in the general population by the Genome Aggregation Database (gnomAD). The available evidence is insufficient to determine the role of this variant in disease conclusively. Therefore, this variant is classified as a Variant of Uncertain Significance.

Labcorp Genetics (formerly Invitae), Labcorp
Classification: Uncertain significance for Marfan syndrome; Familial thoracic aortic aneurysm and aortic dissection. Last evaluated: 2021-06-08. Review status: criteria provided, single submitter. Criteria: Invitae Variant Classification Sherloc (09022015). Collection method: clinical testing. Allele origin: germline.
Comment: This sequence change replaces isoleucine with valine at codon 1825 of the FBN1 protein (p.Ile1825Val). The isoleucine residue is moderately conserved and there is a small physicochemical difference between isoleucine and valine. This variant is not present in population databases (ExAC no frequency). This variant has not been reported in the literature in individuals with FBN1-related conditions. Advanced modeling of protein sequence and biophysical properties (such as structural, functional, and spatial information, amino acid conservation, physicochemical variation, residue mobility, and thermodynamic stability) performed at Invitae indicates that this missense variant is not expected to disrupt FBN1 protein function. In summary, the available evidence is currently insufficient to determine the role of this variant in disease. Therefore, it has been classified as a Variant of Uncertain Significance.

NM_000138.5(FBN1):c.5473A>G (p.Ile1825Val)

Gene: FBN1 (fibrillin 1; minus strand). Cytogenetic location: 15q21.1.
Variant type: single nucleotide variant.
Coding change: c.5473A>G on transcript NM_000138.5 (MANE Select); coding-DNA position 5473, A replaced by G.
Protein change: p.Ile1825Val; replaces isoleucine 1825 with valine.
Molecular consequence: missense variant.
Genome position (GRCh38, 1-based): chr15:48,452,634, T>C on the plus strand (A>G on the coding strand, the complement: FBN1 is on the minus strand). VCF-style: chr15-48452634-T-C. GRCh37 (hg19) VCF-style: chr15-48744831-T-C.
Other names: short protein forms I1825V.
Identifiers: ClinVar variation 1366506 (VCV001366506.9), dbSNP rs2141256032, ClinGen allele CA392344288.
Genomic context (GRCh38, chr15:48,452,634, plus strand): 5'-CTGTGGAGGTGAAGCGGTAGCCGGGCTTACAGTCACAGCGGTAGCTGCCTGCAGTGTTGA[T>C]GCATTCGGCGTTGCGCTGGCACACTGGGCCGTTCTGACACTCGTCAATATCTACGAGCAG-3'
Protein context (NP_000129.3, residues 1815-1835): GPVCQRNAEC[Ile1825Val]NTAGSYRCDC